The following is an entry in ClinVar:

ClinVar aggregate classification (germline): Conflicting classifications of pathogenicity. Review status: criteria provided, conflicting classifications (1 of 4 stars). 5 submissions from 5 submitters: Pathogenic (1); Likely pathogenic (3); Uncertain significance (1). Last evaluated 2026-01-27.

Conditions:
LMF1-related disorder. Also called: LMF1-related condition.
Cardiovascular phenotype. Identifiers: MedGen CN230736.
Lipase deficiency, combined. Also called: LIPOPROTEIN LIPASE DEFICIENCY WITH HEPATIC TRIGLYCERIDE LIPASE DEFICIENCY; LPL AND HL DEFICIENCY; LPL AND HTGL DEFICIENCY. Identifiers: Orphanet 535453, MedGen C1855498, MONDO:0009527, OMIM 246650.

Allele frequency attached by ClinVar (database versions not stated): TOPMed 0.00007; gnomAD 0.00009; ExAC 0.00010; gnomAD exomes 0.00006.
gnomAD v4.1: 98 of 1,613,166 alleles (0.0061%); highest among the groups gnomAD compares: Non-Finnish European, 0.0081%; no homozygotes.

Submissions (5):

Labcorp Genetics (formerly Invitae), Labcorp
Classification: Pathogenic. Last evaluated: 2026-01-27. Review status: criteria provided, single submitter. Criteria: Invitae Variant Classification Sherloc (09022015). Collection method: clinical testing. Allele origin: germline.
Comment: This sequence change creates a premature translational stop signal (p.Gln99*) in the LMF1 gene. It is expected to result in an absent or disrupted protein product. Loss-of-function variants in LMF1 are known to be pathogenic (PMID: 17994020, 19820022, 22239554). This variant is present in population databases (rs752473648, gnomAD 0.02%). This variant has not been reported in the literature in individuals affected with LMF1-related conditions. ClinVar contains an entry for this variant (Variation ID: 1677500). For these reasons, this variant has been classified as Pathogenic.

PreventionGenetics, part of Exact Sciences
Classification: Likely pathogenic for LMF1-related condition. Last evaluated: 2022-10-10. Review status: criteria provided, single submitter. Criteria: ACMG Guidelines, 2015. Collection method: clinical testing. Allele origin: germline.
Comment: The LMF1 c.295C>T variant is predicted to result in premature protein termination (p.Gln99*). To our knowledge, this variant has not been reported in the literature. This variant is reported in 0.015% of alleles in individuals of European (Non-Finnish) descent in gnomAD. Nonsense variants in LMF1 are expected to be pathogenic. This variant is interpreted as likely pathogenic.

Department of Pathology and Laboratory Medicine, Sinai Health System
Classification: Likely pathogenic for Lipase deficiency, combined. Last evaluated: 2022-09-15. Review status: criteria provided, single submitter. Criteria: ACMG Guidelines, 2015. Collection method: research. Allele origin: germline.

AiLife Diagnostics
Classification: Likely pathogenic. Last evaluated: 2022-01-19. Review status: criteria provided, single submitter. Criteria: ACMG Guidelines, 2015. Collection method: clinical testing. Allele origin: germline. Affected: yes. Observed: 2 variant alleles.

Ambry Genetics
Classification: Uncertain significance for Cardiovascular phenotype. Last evaluated: 2021-08-03. Review status: criteria provided, single submitter. Criteria: Ambry Variant Classification Scheme 2023. Collection method: clinical testing. Allele origin: germline.
Comment: The p.Q99* variant (also known as c.295C>T), located in coding exon 2 of the LMF1 gene, results from a C to T substitution at nucleotide position 295. This changes the amino acid from a glutamine to a stop codon within coding exon 2. This alteration would be expected to result in loss of function by premature protein truncation or nonsense-mediated mRNA decay. However, this region of the LMF1 gene is excluded from other transcripts which could be biologically relevant, and it is not clear if these alternative transcripts rescue the function of the protein. Since supporting evidence is limited at this time, the clinical significance of this alteration remains unclear.

Literature cited by the submitters: PubMed 17994020 (cited by Labcorp Genetics (formerly Invitae), Labcorp); PubMed 19820022 (cited by Labcorp Genetics (formerly Invitae), Labcorp); PubMed 22239554 (cited by Labcorp Genetics (formerly Invitae), Labcorp); PubMed 24909692 (cited by Ambry Genetics); PubMed 29910226 (cited by Ambry Genetics); PubMed 30172716 (cited by Ambry Genetics); PubMed 31619059 (cited by Ambry Genetics).

NM_022773.4(LMF1):c.295C>T (p.Gln99Ter)

Gene: LMF1 (lipase maturation factor 1; minus strand). Cytogenetic location: 16p13.3.
Variant type: single nucleotide variant.
Coding change: c.295C>T on transcript NM_022773.4 (MANE Select); coding-DNA position 295, C replaced by T.
Protein change: p.Gln99Ter; replaces glutamine 99 with a stop codon.
Molecular consequence: nonsense. On other transcripts: 5 prime UTR variant (4), non-coding transcript variant (1).
Genome position (GRCh38, 1-based): chr16:954,565, G>A on the plus strand (C>T on the coding strand, the complement: LMF1 is on the minus strand). VCF-style: chr16-954565-G-A. GRCh37 (hg19) VCF-style: chr16-1004565-G-A.
Other names: c.-509C>T (NM_001352017.2); c.-260C>T (NM_001352018.2); c.-33C>T (NM_001352019.2); c.295C>T, p.Gln99Ter (NM_001352020.1); c.-411C>T (NM_001352021.2); short protein forms Q99*.
Identifiers: ClinVar variation 1677500 (VCV001677500.8), dbSNP rs752473648, ClinGen allele CA7797696.